The following is an entry in ClinVar:

NM_000301.5(PLG):c.1212G>A (p.Met404Ile)

Gene: PLG (plasminogen; plus strand). Cytogenetic location: 6q26.
Variant type: single nucleotide variant.
Coding change: c.1212G>A on transcript NM_000301.5 (MANE Select); coding-DNA position 1212, G replaced by A.
Protein change: p.Met404Ile; replaces methionine 404 with isoleucine.
Molecular consequence: missense variant.
Genome position (GRCh38, 1-based): chr6:160,722,523, G>A. VCF-style: chr6-160722523-G-A. GRCh37 (hg19) VCF-style: chr6-161143555-G-A.
Other names: short protein forms M404I.
Identifiers: ClinVar variation 2960748 (VCV002960748.4), dbSNP rs758508931, ClinGen allele CA4087703.

ClinVar aggregate classification (germline): Uncertain significance. Review status: criteria provided, multiple submitters, no conflicts (2 of 4 stars). 2 submissions from 2 submitters: Uncertain significance (2). Last evaluated 2024-03-25.

Conditions:
Inborn genetic diseases. Identifiers: MedGen C0950123, MeSH D030342.

Allele frequency attached by ClinVar (database versions not stated): TOPMed below 0.00001; gnomAD 0.00001; gnomAD exomes 0.00006; ExAC 0.00007; 1000 Genomes Project 30x 0.00031.
gnomAD v4.1: 84 of 1,613,958 alleles (0.0052%); highest among the groups gnomAD compares: South Asian, 0.088%; 2 homozygotes.

Submissions (2):

Ambry Genetics
Classification: Uncertain significance for Inborn genetic diseases. Last evaluated: 2024-03-25. Review status: criteria provided, single submitter. Criteria: Ambry Variant Classification Scheme 2023. Collection method: clinical testing. Allele origin: germline.

Labcorp Genetics (formerly Invitae), Labcorp
Classification: Uncertain significance. Last evaluated: 2023-10-20. Review status: criteria provided, single submitter. Criteria: Invitae Variant Classification Sherloc (09022015). Collection method: clinical testing. Allele origin: germline.
Comment: This sequence change replaces methionine, which is neutral and non-polar, with isoleucine, which is neutral and non-polar, at codon 404 of the PLG protein (p.Met404Ile). This variant is present in population databases (rs758508931, gnomAD 0.07%). This variant has not been reported in the literature in individuals affected with PLG-related conditions. Advanced modeling of protein sequence and biophysical properties (such as structural, functional, and spatial information, amino acid conservation, physicochemical variation, residue mobility, and thermodynamic stability) performed at Invitae indicates that this missense variant is not expected to disrupt PLG protein function. In summary, the available evidence is currently insufficient to determine the role of this variant in disease. Therefore, it has been classified as a Variant of Uncertain Significance.